The following is an entry in ClinVar:

ClinVar aggregate classification (germline): Likely pathogenic (1 of 4 stars; one submission).

Submission:

GeneDx
Classification: Likely pathogenic. Last evaluated: 2017-09-07. Review status: criteria provided, single submitter. Criteria: GeneDx Variant Classification (06012015). Collection method: clinical testing. Allele origin: germline. Affected: yes.
Comment: The c.347delC variant in the SLC18A3 gene has not been reported previously as a pathogenic variant nor as a benign variant, to our knowledge. The c.347delC variant causes a frameshift starting with codon Proline 116, changes this amino acid to a Leucine residue, and creates a premature Stop codon at position 7 of the new reading frame, denoted p.Pro116LeufsX7. This variant is predicted to cause loss of normal protein function through protein truncation. The c.347delC variant is not observed in large population cohorts (Lek et al., 2016; 1000 Genomes Consortium et al., 2015; Exome Variant Server). We interpret c.347delC as a likely pathogenic variant.

NM_003055.3(SLC18A3):c.347del (p.Pro116fs)

Genes: CHAT (choline O-acetyltransferase; plus strand), SLC18A3 (solute carrier family 18 member A3; plus strand). Cytogenetic location: 10q11.23.
Variant type: Deletion.
Coding change: c.347del on transcript NM_003055.3 (MANE Select); coding-DNA position 347, one base deleted (C; older notation c.347delC).
Protein change: p.Pro116fs; shifts the reading frame from proline 116.
Molecular consequence: frameshift variant. On other transcripts: intron variant (1).
Genome position (GRCh38, 1-based): chr10:49,611,087, C deleted; the last of 3 consecutive C bases (chr10:49,611,085-49,611,087); deleting any one gives the same sequence. VCF-style (leftmost placement, unchanged base first): chr10-49611084-AC-A. GRCh37 (hg19) VCF-style: chr10-50819130-AC-A.
Other names: c.-69+1888del (NM_020984.4); short protein forms P116fs.
Identifiers: ClinVar variation 451558 (VCV000451558.4), dbSNP rs1554800550, ClinGen allele CA658657960.
Genomic context (GRCh38, chr10:49,611,084, plus strand): 5'-CCAACACCTCGGCGTCCCCGACAGCTGCGTGGCCAGCGGGCTCAGCCCTTCGGCCCCGCT[AC>A]CCTACGGAGAGCGAAGACGTGAAGATCGGGGTGCTGTTTGCTTCCAAGGCTATCCTGCAG-3'